The following is an entry in ClinVar:

ClinVar aggregate classification (germline): Likely pathogenic (1 of 4 stars; one submission).

Conditions:
Familial thoracic aortic aneurysm and aortic dissection (TAAD). Also called: Thoracic aortic aneurysms and dissections. Identifiers: Orphanet 91387, MedGen C4707243, MONDO:0019625.

Submission:

Ambry Genetics
Classification: Likely pathogenic for Familial thoracic aortic aneurysm and aortic dissection. Last evaluated: 2024-07-17. Review status: criteria provided, single submitter. Criteria: Ambry Variant Classification Scheme 2023. Collection method: clinical testing. Allele origin: germline.
Comment: The c.1179delC variant, located in coding exon 9 of the SMAD3 gene, results from a deletion of one nucleotide at nucleotide position 1179, causing a translational frameshift with a predicted alternate stop codon (p.C394Afs*7). This alteration occurs at the 3' terminus of theSMAD3 gene, is not expected to trigger nonsense-mediated mRNA decay, and impacts the last 7.5% of the protein. However, premature stop codons are typically deleterious in nature, and the impacted region is critical for protein function (Ambry internal data). This variant has been observed in at least one individual with a personal and/or family history that is consistent with SMAD3-related Loeys-Dietz syndrome (Ambry internal data). This variant is considered to be rare based on population cohorts in the Genome Aggregation Database (gnomAD). Based on the majority of available evidence to date, this variant is likely to be pathogenic.

NM_005902.4(SMAD3):c.1179del (p.Cys394fs)

Gene: SMAD3 (SMAD family member 3; plus strand). Cytogenetic location: 15q22.33.
Variant type: Deletion.
Coding change: c.1179del on transcript NM_005902.4 (MANE Select); coding-DNA position 1179, one base deleted (C; older notation c.1179delC).
Protein change: p.Cys394fs; shifts the reading frame from cysteine 394.
Molecular consequence: frameshift variant.
Genome position (GRCh38, 1-based): chr15:67,190,437, C deleted; the last of 5 consecutive C bases (chr15:67,190,433-67,190,437); deleting any one gives the same sequence. VCF-style (leftmost placement, unchanged base first): chr15-67190432-AC-A. GRCh37 (hg19) VCF-style: chr15-67482770-AC-A.
Other names: c.864del, p.Cys289fs (NM_001145102.2, NM_001407016.1); c.1047del, p.Cys350fs (NM_001145103.2, NM_001407012.1); c.594del, p.Cys199fs (NM_001145104.2, NM_001407017.1); c.1290del, p.Cys431fs (NM_001407011.1); c.1041del, p.Cys348fs (NM_001407013.1); c.1032del, p.Cys345fs (NM_001407014.1); c.732del, p.Cys245fs (NM_001407015.1); short protein forms C345fs, C394fs, C431fs, C199fs, C348fs, C350fs, C245fs, C289fs.
Identifiers: ClinVar variation 3445814 (VCV003445814.1).